The following is an entry in ClinVar:

ClinVar aggregate classification (germline): Pathogenic. Review status: criteria provided, single submitter (1 of 4 stars). 2 submissions from 2 submitters: Pathogenic (1). 1 of the submissions does not count toward it. Last evaluated 2023-05-05.

Conditions:
Familial adenomatous polyposis 1 (FAP1). Also called: POLYPOSIS, ADENOMATOUS INTESTINAL; FAMILIAL ADENOMATOUS POLYPOSIS 1, ATTENUATED. Identifiers: MedGen C2713442, MONDO:0021056, OMIM 175100. Disease mechanism: loss of function.

Submissions (2):

Myriad Genetics, Inc.
Classification: Pathogenic for Familial adenomatous polyposis 1. Last evaluated: 2023-05-05. Review status: criteria provided, single submitter. Criteria: Myriad Autosomal Dominant, Autosomal Recessive and X-Linked Classification Criteria (2023). Collection method: clinical testing. Allele origin: unknown.
Comment: This variant is considered pathogenic. This variant creates a frameshift predicted to result in premature protein truncation.

deCODE genetics, Amgen
Classification: Likely pathogenic for Familial adenomatous polyposis 1. Last evaluated: 2023-07-21. Review status: no assertion criteria provided. Collection method: research. Allele origin: germline. Affected: yes. Observed: 1 variant allele. Not counted in ClinVar's aggregate classification.
Comment: The variant NM_000038.6:c.2803dup (chr5:112838395) in APC was detected in 1 heterozygote out of 58K WGS Icelanders (MAF= 0,001%). This variant has not been reported in ClinVar previously. Based on ACMG criteria (PVS1, PM2) this variant classifies as likely pathogenic.

NM_000038.6(APC):c.2803dup (p.Tyr935fs)

Gene: APC (APC regulator of Wnt signaling pathway; plus strand). Cytogenetic location: 5q22.2.
Variant type: Duplication.
Coding change: c.2803dup on transcript NM_000038.6 (MANE Select); coding-DNA position 2803, one base duplicated (T; older notation c.2803dupT).
Protein change: p.Tyr935fs; shifts the reading frame from tyrosine 935.
Molecular consequence: frameshift variant. On other transcripts: non-coding transcript variant (2).
Genome position (GRCh38, 1-based): chr5:112,838,397, T duplicated; the last of 2 consecutive T bases (chr5:112,838,396-112,838,397); duplicating either gives the same sequence. VCF-style (leftmost placement, unchanged base first): chr5-112838395-C-CT. GRCh37 (hg19) VCF-style: chr5-112174092-C-CT.
Other names: c.2803dup, p.Tyr935fs (NM_001127510.3, NM_001354895.2, NM_001407450.1); c.2749dup, p.Tyr917fs (NM_001127511.3); c.2857dup, p.Tyr953fs (NM_001354896.2, NM_001407447.1, NM_001407448.1 and 1 more transcripts); c.2833dup, p.Tyr945fs (NM_001354897.2); c.2728dup, p.Tyr910fs (NM_001354898.2); c.2719dup, p.Tyr907fs (NM_001354899.2); c.2680dup, p.Tyr894fs (NM_001354900.2); c.2626dup, p.Tyr876fs (NM_001354901.2, NM_001407453.1); and 11 more; short protein forms Y551fs, Y652fs, Y775fs, Y806fs, Y809fs, Y834fs, Y844fs, Y852fs.
Identifiers: ClinVar variation 2574102 (VCV002574102.4), dbSNP rs2533450703, ClinGen allele CA445962898.